The following is an entry in ClinVar:

ClinVar aggregate classification (germline): Uncertain significance. Review status: criteria provided, multiple submitters, no conflicts (2 of 4 stars). 2 submissions from 2 submitters: Uncertain significance (2). Last evaluated 2025-06-24.

Conditions:
Familial thoracic aortic aneurysm and aortic dissection (TAAD). Also called: Thoracic aortic aneurysms and dissections. Identifiers: Orphanet 91387, MedGen C4707243, MONDO:0019625.

Submissions (2):

Ambry Genetics
Classification: Uncertain significance for Familial thoracic aortic aneurysm and aortic dissection. Last evaluated: 2025-06-24. Review status: criteria provided, single submitter. Criteria: Ambry Variant Classification Scheme 2023. Collection method: clinical testing. Allele origin: germline.

GeneDx
Classification: Uncertain significance. Last evaluated: 2017-07-06. Review status: criteria provided, single submitter. Criteria: GeneDx Variant Classification (06012015). Collection method: clinical testing. Allele origin: germline. Affected: yes.
Comment: The A834S variant in the NOTCH1 gene has not been reported previously as a pathogenic variant, nor as a benign variant, to our knowledge. The A834S variant is not observed in large population cohorts (Lek et al., 2016; 1000 Genomes Consortium et al., 2015; Exome Variant Server). The A834S variant is a non-conservative amino acid substitution, which is likely to impact secondary protein structure as these residues differ in polarity, charge, size and/or other properties. This substitution occurs at a position that is conserved in mammals, however, in silico analysis is inconsistent in its predictions as to whether or not the variant is damaging to the protein structure/function. We interpret A834S as a variant of uncertain significance.

NM_017617.5(NOTCH1):c.2500G>T (p.Ala834Ser)

Gene: NOTCH1 (notch receptor 1; minus strand). Cytogenetic location: 9q34.3.
Variant type: single nucleotide variant.
Coding change: c.2500G>T on transcript NM_017617.5 (MANE Select); coding-DNA position 2500, G replaced by T.
Protein change: p.Ala834Ser; replaces alanine 834 with serine.
Molecular consequence: missense variant.
Genome position (GRCh38, 1-based): chr9:136,511,239, C>A on the plus strand (G>T on the coding strand, the complement: NOTCH1 is on the minus strand). VCF-style: chr9-136511239-C-A. GRCh37 (hg19) VCF-style: chr9-139405691-C-A.
Other names: c.2500G>T, p.Ala834Ser (LRG_1122t1); short protein forms A834S.
Identifiers: ClinVar variation 450480 (VCV000450480.3), dbSNP rs1554728847, ClinGen allele CA375555488.